The following is an entry in ClinVar:

NM_001201543.2(FAM161A):c.1033T>C (p.Phe345Leu)

Gene: FAM161A (FAM161 centrosomal protein A; minus strand). Cytogenetic location: 2p15.
Variant type: single nucleotide variant.
Coding change: c.1033T>C on transcript NM_001201543.2 (MANE Select); coding-DNA position 1033, T replaced by C.
Protein change: p.Phe345Leu; replaces phenylalanine 345 with leucine.
Molecular consequence: missense variant. On other transcripts: non-coding transcript variant (1).
Genome position (GRCh38, 1-based): chr2:61,839,971, A>G on the plus strand (T>C on the coding strand, the complement: FAM161A is on the minus strand). VCF-style: chr2-61839971-A-G. GRCh37 (hg19) VCF-style: chr2-62067106-A-G.
Other names: c.1033T>C, p.Phe345Leu (NM_032180.3); short protein forms F345L.
Identifiers: ClinVar variation 1907455 (VCV001907455.2), dbSNP rs902200058, ClinGen allele CA48477552.

ClinVar aggregate classification (germline): Uncertain significance (1 of 4 stars; one submission).

Allele frequency attached by ClinVar (database versions not stated): gnomAD 0.00001; TOPMed 0.00001.
gnomAD v4.1: 1 of 1,614,090 alleles (0.000062%); highest among the groups gnomAD compares: East Asian, 0.0022%; no homozygotes.

Submission:

Labcorp Genetics (formerly Invitae), Labcorp
Classification: Uncertain significance. Last evaluated: 2022-10-04. Review status: criteria provided, single submitter. Criteria: Invitae Variant Classification Sherloc (09022015). Collection method: clinical testing. Allele origin: germline.
Comment: This sequence change replaces phenylalanine, which is neutral and non-polar, with leucine, which is neutral and non-polar, at codon 345 of the FAM161A protein (p.Phe345Leu). This variant is present in population databases (no rsID available, gnomAD 0.06%). This variant has not been reported in the literature in individuals affected with FAM161A-related conditions. Advanced modeling of protein sequence and biophysical properties (such as structural, functional, and spatial information, amino acid conservation, physicochemical variation, residue mobility, and thermodynamic stability) performed at Invitae indicates that this missense variant is not expected to disrupt FAM161A protein function. In summary, the available evidence is currently insufficient to determine the role of this variant in disease. Therefore, it has been classified as a Variant of Uncertain Significance.